The following is an entry in ClinVar:

NM_000321.3(RB1):c.137G>A (p.Arg46Lys)

Gene: RB1 (RB transcriptional corepressor 1; plus strand). Cytogenetic location: 13q14.2.
Variant type: single nucleotide variant.
Coding change: c.137G>A on transcript NM_000321.3 (MANE Select); coding-DNA position 137, G replaced by A.
Protein change: p.Arg46Lys; replaces arginine 46 with lysine.
Molecular consequence: missense variant.
Genome position (GRCh38, 1-based): chr13:48,304,049, G>A. VCF-style: chr13-48304049-G-A. GRCh37 (hg19) VCF-style: chr13-48878185-G-A.
Other names: c.137G>A, p.Arg46Lys (NM_001407165.1, NM_001407166.1, NM_001407167.1); short protein forms R46K.
Identifiers: ClinVar variation 1771256 (VCV001771256.3), dbSNP rs2138028088, ClinGen allele CA388250404.
Genomic context (GRCh38, chr13:48,304,049, plus strand): 5'-CGCCCCCTCCTGAGGAGGACCCAGAGCAGGACAGCGGCCCGGAGGACCTGCCTCTCGTCA[G>A]GTGAGCGAGCAGAGCCGCCGTCGCCTCACGCGGGAAGGGCGCCCCGGGTGTGCGTAGGGC-3'
Protein context (NP_000312.2, residues 36-56): DSGPEDLPLV[Arg46Lys]LEFEETEEPD

ClinVar aggregate classification (germline): Pathogenic. Review status: criteria provided, multiple submitters, no conflicts (2 of 4 stars). 2 submissions from 2 submitters: Pathogenic (2). Last evaluated 2024-05-20.

Conditions:
Hereditary cancer-predisposing syndrome. Also called: Hereditary Cancer Syndrome; Hereditary neoplastic syndrome; Neoplastic Syndromes, Hereditary; Tumor predisposition. Identifiers: Orphanet 140162, MedGen C0027672, MeSH D009386, MONDO:0015356.
Retinoblastoma (RB1). Also called: RETINOBLASTOMA, SOMATIC. Identifiers: Orphanet 790, MedGen C0035335, MeSH D012175, MONDO:0008380, OMIM 180200, HP:0009919. Disease mechanism: loss of function. Inheritance: Both sporadic and heritable forms are tested..

Submissions (2):

Genetic Diagnostic Laboratory, University of Pennsylvania School of Medicine
Classification: Pathogenic for Retinoblastoma. Last evaluated: 2024-05-20. Review status: criteria provided, single submitter. Criteria: ACMG Guidelines, 2015. Collection method: clinical testing. Allele origin: germline. Affected: yes. Observed: 1 variant allele.
Comment: Case and Pedigree Information: BILATERAL CASES:1, UNILATERAL CASES:0, TOTAL CASES:1, PEDIGREES:1. ACMG Codes Applied:PVS1, PM2

Ambry Genetics
Classification: Pathogenic for Hereditary cancer-predisposing syndrome. Last evaluated: 2017-05-16. Review status: criteria provided, single submitter. Criteria: Ambry Variant Classification Scheme 2023. Collection method: clinical testing. Allele origin: germline.
Comment: The c.137G>A pathogenic mutation (also known as p.R46K), located in coding exon 1 of the RB1 gene, results from a G to A substitution at nucleotide position 137. The amino acid change results in arginine to lysine at codon 46, an amino acid with highly similar properties. However, this change occurs in the last base pair of coding exon 1, which makes it likely to have some effect on normal mRNA splicing. This alteration has been identified in numerous individuals affected with bilateral retinoblastoma, retinoma and or retinocytoma (Abouzeid H et al. Mol. Vis., 2009 Apr;15:771-7; Abouzeid H et al. Br J Ophthalmol, 2012 Jun;96:884-9; Parsam VL et al. J. Genet., 2009 Dec;88:517-27). In addition, a similar substitution, c.137G>C, has also been identified in an individual with bilateral retinoblastoma (Nichols KE et al. Hum. Mutat., 2005 Jun;25:566-74). This nucleotide position is highly conserved in available vertebrate species. Using the BDGP and ESEfinder splice site prediction tools, this alteration is predicted to weaken the efficiency of the native splice donor site; however, direct evidence is unavailable. Based on the supporting evidence, this alteration is interpreted as a disease-causing mutation.

Literature cited by the submitters: PubMed 12541220 (cited by Ambry Genetics); PubMed 15884040 (cited by Ambry Genetics); PubMed 19390654 (cited by Ambry Genetics); PubMed 20090211 (cited by Ambry Genetics); PubMed 22328814 (cited by Ambry Genetics).